The following is an entry in ClinVar:

NM_018297.4(NGLY1):c.535A>G (p.Ile179Val)

Gene: NGLY1 (N-glycanase 1; minus strand). Cytogenetic location: 3p24.2.
Variant type: single nucleotide variant.
Coding change: c.535A>G on transcript NM_018297.4 (MANE Select); coding-DNA position 535, A replaced by G.
Protein change: p.Ile179Val; replaces isoleucine 179 with valine.
Molecular consequence: missense variant.
Genome position (GRCh38, 1-based): chr3:25,751,221, T>C on the plus strand (A>G on the coding strand, the complement: NGLY1 is on the minus strand). VCF-style: chr3-25751221-T-C. GRCh37 (hg19) VCF-style: chr3-25792712-T-C.
Other names: c.535A>G (NM_018297.3); c.535A>G, p.Ile179Val (NM_001145293.2, NM_001145295.2); c.409A>G, p.Ile137Val (NM_001145294.2); short protein forms I179V, I137V.
Identifiers: ClinVar variation 1414635 (VCV001414635.6), dbSNP rs1329006958, ClinGen allele CA351906260.
Genomic context (GRCh38, chr3:25,751,221, plus strand): 5'-GAATACAAGCCAACGCTTTCTCCTGAAGAGCAGGATTTTCATAGACCAGCACATGCTGAA[T>C]GTTGGACTGAAGAACTTCTAGAATGGCTGAGTCAGCAGCAACCTAATAGGAAAAAAAAAA-3'
Protein context (NP_060767.2, residues 169-189): SAILEVLQSN[Ile179Val]QHVLVYENPA

ClinVar aggregate classification (germline): Uncertain significance. Review status: criteria provided, multiple submitters, no conflicts (2 of 4 stars). 2 submissions from 2 submitters: Uncertain significance (2). Last evaluated 2025-07-14.

Conditions:
Congenital disorder of deglycosylation (CDDG). Identifiers: MedGen C3808991, MONDO:0031376.

Allele frequency attached by ClinVar (database versions not stated): gnomAD exomes 0.00001; gnomAD 0.00001; TOPMed 0.00001.
gnomAD v4.1: 5 of 1,608,184 alleles (0.00031%); highest among the groups gnomAD compares: Admixed American, 0.0084%; no homozygotes.

Submissions (2):

GeneDx
Classification: Uncertain significance. Last evaluated: 2025-07-14. Review status: criteria provided, single submitter. Criteria: GeneDx Variant Classification Process June 2021. Collection method: clinical testing. Allele origin: germline. Affected: yes.
Comment: Not observed at significant frequency in large population cohorts (gnomAD); In silico analysis suggests that this missense variant does not alter protein structure/function; Has not been previously published as pathogenic or benign to our knowledge

Labcorp Genetics (formerly Invitae), Labcorp
Classification: Uncertain significance for Congenital disorder of deglycosylation. Last evaluated: 2022-04-01. Review status: criteria provided, single submitter. Criteria: Invitae Variant Classification Sherloc (09022015). Collection method: clinical testing. Allele origin: germline.
Comment: This sequence change replaces isoleucine, which is neutral and non-polar, with valine, which is neutral and non-polar, at codon 179 of the NGLY1 protein (p.Ile179Val). This variant is not present in population databases (gnomAD no frequency). This variant has not been reported in the literature in individuals affected with NGLY1-related conditions. Algorithms developed to predict the effect of missense changes on protein structure and function (SIFT, PolyPhen-2, Align-GVGD) all suggest that this variant is likely to be tolerated. In summary, the available evidence is currently insufficient to determine the role of this variant in disease. Therefore, it has been classified as a Variant of Uncertain Significance.